The following is an entry in ClinVar:

ClinVar aggregate classification (germline): Pathogenic. Review status: criteria provided, multiple submitters, no conflicts (2 of 4 stars). 2 submissions from 2 submitters: Pathogenic (2). Last evaluated 2024-12-03.

Conditions:
Ataxia-telangiectasia syndrome (AT). Also called: ATAXIA-TELANGIECTASIA, COMPLEMENTATION GROUP A; ATAXIA-TELANGIECTASIA, FRESNO VARIANT; Ataxia-telangiectasia; Ataxia-telangiectasia, complementation group E; LOUIS-BAR SYNDROME; Cerebello-oculocutaneous telangiectasia. Identifiers: Orphanet 100, MedGen C0004135, MONDO:0008840, OMIM 208900.

Submissions (2):

Labcorp Genetics (formerly Invitae), Labcorp
Classification: Pathogenic for Ataxia-telangiectasia syndrome. Last evaluated: 2024-12-03. Review status: criteria provided, single submitter. Criteria: Invitae Variant Classification Sherloc (09022015). Collection method: clinical testing. Allele origin: germline.
Comment: This sequence change affects an acceptor splice site in intron 42 of the ATM gene. It is expected to disrupt RNA splicing. Variants that disrupt the donor or acceptor splice site typically lead to a loss of protein function (PMID: 16199547), and loss-of-function variants in ATM are known to be pathogenic (PMID: 23807571, 25614872). This variant is not present in population databases (gnomAD no frequency). Disruption of this splice site has been observed in individuals with ataxia-telangiectasia (PMID: 9450906, 33547824). ClinVar contains an entry for this variant (Variation ID: 2866769). Algorithms developed to predict the effect of sequence changes on RNA splicing suggest that this variant may disrupt the consensus splice site. For these reasons, this variant has been classified as Pathogenic.

Natera, Inc.
Classification: Pathogenic for Ataxia-telangiectasia. Last evaluated: 2024-10-02. Review status: criteria provided, single submitter. Criteria: Natera Variant Classification Schema (03/2026). Collection method: clinical testing. Allele origin: germline.
Comment: The c.6199-1G>A variant in ATM is a canonical splice acceptor site variant predicted to affect pre-mRNA splicing, which may result in an abnormal transcript and altered protein product. This variant is expected to result in nonsense mediated decay, truncation, or a dysfunctional protein product. This variant is rare in the general population with a frequency below the threshold expected for the associated phenotype(s). Another variant at this same site results in an alteration predicted to cause a similar molecular effect has been observed in individual(s) with the associated phenotype. Given the available evidence, this variant is classified as Pathogenic.

Literature cited by the submitters: PubMed 16199547 (cited by Labcorp Genetics (formerly Invitae), Labcorp); PubMed 23807571 (cited by Labcorp Genetics (formerly Invitae), Labcorp); PubMed 25614872 (cited by Labcorp Genetics (formerly Invitae), Labcorp); PubMed 9450906 (cited by Labcorp Genetics (formerly Invitae), Labcorp); PubMed 33547824 (cited by Labcorp Genetics (formerly Invitae), Labcorp).

NM_000051.4(ATM):c.6199-1G>A

Genes: ATM (ATM serine/threonine kinase; plus strand), C11orf65 (chromosome 11 open reading frame 65; minus strand). Cytogenetic location: 11q22.3.
Variant type: single nucleotide variant.
Coding change: c.6199-1G>A on transcript NM_000051.4 (MANE Select); the canonical splice acceptor site of the intron before coding-DNA position 6199, G replaced by A.
Molecular consequence: splice acceptor variant. On other transcripts: intron variant (2).
Genome position (GRCh38, 1-based): chr11:108,317,372, G>A. VCF-style: chr11-108317372-G-A. GRCh37 (hg19) VCF-style: chr11-108188099-G-A.
Other names: c.6199-1G>A (NM_001351834.2); c.641-8301C>T (NM_001330368.2); c.*39-8301C>T (NM_001351110.2).
Identifiers: ClinVar variation 2866769 (VCV002866769.3), dbSNP rs1591788932, ClinGen allele CA382550998.